The following is an entry in ClinVar:

ClinVar aggregate classification (germline): Uncertain significance (1 of 4 stars; one submission).

Conditions:
Epileptic encephalopathy. Identifiers: MedGen C0543888, HP:0200134.

gnomAD v4.1: 2 of 1,595,512 alleles (0.00013%); highest among the groups gnomAD compares: Admixed American, 0.0018%; no homozygotes.

Submission:

Labcorp Genetics (formerly Invitae), Labcorp
Classification: Uncertain significance for Epileptic encephalopathy. Last evaluated: 2025-05-05. Review status: criteria provided, single submitter. Criteria: Invitae Variant Classification Sherloc (09022015). Collection method: clinical testing. Allele origin: germline.
Comment: This sequence change replaces asparagine, which is neutral and polar, with serine, which is neutral and polar, at codon 356 of the FASN protein (p.Asn356Ser). The frequency data for this variant in the population databases is considered unreliable, as metrics indicate poor data quality at this position in the gnomAD database. This variant has not been reported in the literature in individuals affected with FASN-related conditions. An algorithm developed to predict the effect of missense changes on protein structure and function (PolyPhen-2) suggests that this variant is likely to be disruptive. In summary, the available evidence is currently insufficient to determine the role of this variant in disease. Therefore, it has been classified as a Variant of Uncertain Significance.

NM_004104.5(FASN):c.1067A>G (p.Asn356Ser)

Gene: FASN (fatty acid synthase; minus strand). Cytogenetic location: 17q25.3.
Variant type: single nucleotide variant.
Coding change: c.1067A>G on transcript NM_004104.5 (MANE Select); coding-DNA position 1067, A replaced by G.
Protein change: p.Asn356Ser; replaces asparagine 356 with serine.
Molecular consequence: missense variant.
Genome position (GRCh38, 1-based): chr17:82,091,647, T>C on the plus strand (A>G on the coding strand, the complement: FASN is on the minus strand). VCF-style: chr17-82091647-T-C. GRCh37 (hg19) VCF-style: chr17-80049523-T-C.
Other names: short protein forms N356S.
Identifiers: ClinVar variation 4812281 (VCV004812281.1).